The following is an entry in ClinVar:

ClinVar aggregate classification (germline): Likely benign (1 of 4 stars; one submission).

gnomAD v4.1: 11 of 1,604,936 alleles (0.00069%); highest among the groups gnomAD compares: Middle Eastern, 0.017%; no homozygotes.

Submission:

CeGaT Center for Human Genetics Tuebingen
Classification: Likely benign. Last evaluated: 2025-06-01. Review status: criteria provided, single submitter. Criteria: CeGaT Center For Human Genetics Tuebingen Variant Classification Criteria Version 2. Collection method: clinical testing. Allele origin: germline. Affected: yes. Observed: 1 variant allele.
Comment: SGSM3: BP4, BP7

NM_015705.6(SGSM3):c.339C>T (p.Ala113=)

Gene: SGSM3 (small G protein signaling modulator 3; plus strand). Cytogenetic location: 22q13.1.
Variant type: single nucleotide variant.
Coding change: c.339C>T on transcript NM_015705.6 (MANE Select); coding-DNA position 339, C replaced by T.
Protein change: p.Ala113=; no amino-acid change (alanine 113 retained).
Molecular consequence: synonymous variant. On other transcripts: 5 prime UTR variant (1), non-coding transcript variant (4).
Genome position (GRCh38, 1-based): chr22:40,404,428, C>T. VCF-style: chr22-40404428-C-T. GRCh37 (hg19) VCF-style: chr22-40800432-C-T.
Other names: c.150C>T, p.Ala50= (NM_001301849.2, NM_001350042.2, NM_001350044.2 and 1 more transcripts); c.339C>T, p.Ala113= (NM_001350039.2, NM_001350040.2, NM_001350041.2); c.138C>T, p.Ala46= (NM_001350043.2, NM_001350046.2, NM_001350047.2); c.-207C>T (NM_001350048.2).
Identifiers: ClinVar variation 3905009 (VCV003905009.10).